The following is an entry in ClinVar:

NM_000297.4(PKD2):c.68C>T (p.Ala23Val)

Genes: PKD2 (polycystin 2, transient receptor potential cation channel; plus strand), LOC129992813 (ATAC-STARR-seq lymphoblastoid silent region 15559; plus strand). Cytogenetic location: 4q22.1.
Variant type: single nucleotide variant.
Coding change: c.68C>T on transcript NM_000297.4 (MANE Select); coding-DNA position 68, C replaced by T.
Protein change: p.Ala23Val; replaces alanine 23 with valine.
Molecular consequence: missense variant. On other transcripts: non-coding transcript variant (1).
Genome position (GRCh38, 1-based): chr4:88,007,801, C>T. VCF-style: chr4-88007801-C-T. GRCh37 (hg19) VCF-style: chr4-88928953-C-T.
Other names: short protein forms A23V.
Identifiers: ClinVar variation 1987127 (VCV001987127.4), dbSNP rs2110080081, ClinGen allele CA357625012.
Genomic context (GRCh38, chr4:88,007,801, plus strand): 5'-ACTCCAGTCGCGTGCAGCCTCAGCAGCCCGGGGACGCCAAGCGGCCGCCCGCGCCCCGCG[C>T]GCCGGACCCGGGCCGGCTGATGGCTGGCTGCGCGGCCGTGGGCGCCAGCCTCGCCGCCCC-3'
Protein context (NP_000288.1, residues 13-33): GDAKRPPAPR[Ala23Val]PDPGRLMAGC

ClinVar aggregate classification (germline): Uncertain significance (1 of 4 stars; one submission).

Conditions:
Autosomal dominant polycystic kidney disease. Identifiers: Orphanet 730, MedGen C0085413, MONDO:0004691.

Allele frequency attached by ClinVar (database versions not stated): 1000 Genomes Project 30x 0.00016.

Submission:

Labcorp Genetics (formerly Invitae), Labcorp
Classification: Uncertain significance for Autosomal dominant polycystic kidney disease. Last evaluated: 2022-08-23. Review status: criteria provided, single submitter. Criteria: Invitae Variant Classification Sherloc (09022015). Collection method: clinical testing. Allele origin: germline.
Comment: In summary, the available evidence is currently insufficient to determine the role of this variant in disease. Therefore, it has been classified as a Variant of Uncertain Significance. Algorithms developed to predict the effect of missense changes on protein structure and function (SIFT, PolyPhen-2, Align-GVGD) all suggest that this variant is likely to be tolerated. This variant has not been reported in the literature in individuals affected with PKD2-related conditions. This variant is not present in population databases (gnomAD no frequency). This sequence change replaces alanine, which is neutral and non-polar, with valine, which is neutral and non-polar, at codon 23 of the PKD2 protein (p.Ala23Val).